The following is an entry in ClinVar:

NM_000059.4(BRCA2):c.4986A>C (p.Ser1662=)

Gene: BRCA2 (BRCA2 DNA repair associated; plus strand). Cytogenetic location: 13q13.1.
Variant type: single nucleotide variant.
Coding change: c.4986A>C on transcript NM_000059.4 (MANE Select); coding-DNA position 4986, A replaced by C.
Protein change: p.Ser1662=; no amino-acid change (serine 1662 retained).
Molecular consequence: synonymous variant.
Genome position (GRCh38, 1-based): chr13:32,339,341, A>C. VCF-style: chr13-32339341-A-C. GRCh37 (hg19) VCF-style: chr13-32913478-A-C.
Identifiers: ClinVar variation 185266 (VCV000185266.16), dbSNP rs786202043, ClinGen allele CA021105.

ClinVar aggregate classification (germline): Likely benign. Review status: reviewed by expert panel (3 of 4 stars). 4 submissions from 4 submitters: Likely benign (1). 3 of the submissions do not count toward it. Last evaluated 2017-06-29.

Conditions:
Hereditary cancer-predisposing syndrome. Also called: Tumor predisposition; Hereditary Cancer Syndrome; Hereditary neoplastic syndrome; Neoplastic Syndromes, Hereditary. Identifiers: Orphanet 140162, MedGen C0027672, MeSH D009386, MONDO:0015356.
Hereditary breast ovarian cancer syndrome. Also called: Breast and ovarian cancer; Hereditary breast and ovarian cancer syndrome; Hereditary breast and ovarian cancer; BRCA1- and BRCA2-Associated Hereditary Breast and Ovarian Cancer; Hereditary breast and ovarian cancer syndrome (HBOC); Hereditary breast and/or ovarian cancer syndrome. Identifiers: Orphanet 145, MedGen C0677776, MeSH D061325, MONDO:0003582. Disease mechanism: loss of function.
Breast-ovarian cancer, familial, susceptibility to, 2 (BROVCA2). Also called: BRCA2 Hereditary Breast and Ovarian Cancer. Identifiers: Orphanet 145, MedGen C2675520, MONDO:0012933, OMIM 612555. Disease mechanism: loss of function.

gnomAD v4.1: 1 of 1,590,782 alleles (0.000063%); no homozygotes.

Submissions (4):

Evidence-based Network for the Interpretation of Germline Mutant Alleles (ENIGMA)
Classification: Likely benign for Breast-ovarian cancer, familial, susceptibility to, 2. Last evaluated: 2017-06-29. Review status: reviewed by expert panel. Criteria: ENIGMA BRCA1/2 Classification Criteria (2017-06-29). Collection method: curation. Allele origin: germline.
Comment: Synonymous substitution variant, with low bioinformatic likelihood to result in a splicing aberration (Splicing prior probability 0.02).

Labcorp Genetics (formerly Invitae), Labcorp
Classification: Likely benign for Hereditary breast ovarian cancer syndrome. Last evaluated: 2025-11-27. Review status: criteria provided, single submitter. Criteria: Invitae Variant Classification Sherloc (09022015). Collection method: clinical testing. Allele origin: germline. Not counted in ClinVar's aggregate classification.

Sema4
Classification: Likely benign for Hereditary cancer-predisposing syndrome. Last evaluated: 2021-12-17. Review status: criteria provided, single submitter. Criteria: Sema4 Curation Guidelines. Collection method: curation. Allele origin: germline. Not counted in ClinVar's aggregate classification.

Ambry Genetics
Classification: Likely benign for Hereditary cancer-predisposing syndrome. Last evaluated: 2019-05-15. Review status: criteria provided, single submitter. Criteria: Ambry Variant Classification Scheme 2023. Collection method: clinical testing. Allele origin: germline. Not counted in ClinVar's aggregate classification.